The following is an entry in ClinVar:

NM_001382430.1(AKT1):c.287+4C>T

Gene: AKT1 (AKT serine/threonine kinase 1; minus strand). Cytogenetic location: 14q32.33.
Variant type: single nucleotide variant.
Coding change: c.287+4C>T on transcript NM_001382430.1 (MANE Select); 4 bases into the intron after coding-DNA position 287, C replaced by T.
Molecular consequence: intron variant.
Genome position (GRCh38, 1-based): chr14:104,776,655, G>A on the plus strand (C>T on the coding strand, the complement: AKT1 is on the minus strand). VCF-style: chr14-104776655-G-A. GRCh37 (hg19) VCF-style: chr14-105242992-G-A.
Other names: c.287+4C>T (NM_001014431.2, NM_001014432.2, NM_001382433.1 and 3 more transcripts).
Identifiers: ClinVar variation 410908 (VCV000410908.10), dbSNP rs745831501, ClinGen allele CA7374846.

ClinVar aggregate classification (germline): Conflicting classifications of pathogenicity. Review status: criteria provided, conflicting classifications (1 of 4 stars). 2 submissions from 2 submitters: Uncertain significance (1); Likely benign (1). Last evaluated 2024-05-23.

Conditions:
Cowden syndrome 6 (CWS6). Identifiers: Orphanet 201, MedGen C3554519, MONDO:0014048, OMIM 615109.

Allele frequency attached by ClinVar (database versions not stated): gnomAD exomes below 0.00001 and 0.00001; gnomAD 0.00001; TOPMed 0.00001.
gnomAD v4.1: 20 of 1,612,174 alleles (0.0012%); highest among the groups gnomAD compares: East Asian, 0.0022%; no homozygotes.

Submissions (2):

Labcorp Genetics (formerly Invitae), Labcorp
Classification: Uncertain significance for Cowden syndrome 6. Last evaluated: 2024-05-23. Review status: criteria provided, single submitter. Criteria: Invitae Variant Classification Sherloc (09022015). Collection method: clinical testing. Allele origin: germline.
Comment: This sequence change falls in intron 4 of the AKT1 gene. It does not directly change the encoded amino acid sequence of the AKT1 protein. It affects a nucleotide within the consensus splice site. This variant is present in population databases (rs745831501, gnomAD 0.006%). This variant has not been reported in the literature in individuals affected with AKT1-related conditions. ClinVar contains an entry for this variant (Variation ID: 410908). Variants that disrupt the consensus splice site are a relatively common cause of aberrant splicing (PMID: 17576681, 9536098). Algorithms developed to predict the effect of sequence changes on RNA splicing suggest that this variant is not likely to affect RNA splicing. In summary, the available evidence is currently insufficient to determine the role of this variant in disease. Therefore, it has been classified as a Variant of Uncertain Significance.

Blueprint Genetics
Classification: Likely benign. Last evaluated: 2021-05-21. Review status: criteria provided, single submitter. Criteria: ACMG Guidelines, 2015. Collection method: clinical testing. Allele origin: germline.

Literature cited by the submitters: PubMed 17576681 (cited by Labcorp Genetics (formerly Invitae), Labcorp); PubMed 9536098 (cited by Labcorp Genetics (formerly Invitae), Labcorp).